The following is an entry in ClinVar:

NM_000142.5(FGFR3):c.270G>T (p.Gly90=)

Gene: FGFR3 (fibroblast growth factor receptor 3; plus strand). Cytogenetic location: 4p16.3.
Variant type: single nucleotide variant.
Coding change: c.270G>T on transcript NM_000142.5 (MANE Select); coding-DNA position 270, G replaced by T.
Protein change: p.Gly90=; no amino-acid change (glycine 90 retained).
Molecular consequence: synonymous variant. On other transcripts: non-coding transcript variant (1).
Genome position (GRCh38, 1-based): chr4:1,799,414, G>T. VCF-style: chr4-1799414-G-T. GRCh37 (hg19) VCF-style: chr4-1801141-G-T.
Other names: c.270G>T (NM_000142.4); c.270G>T, p.Gly90= (NM_001163213.2, NM_001354809.2, NM_001354810.2 and 1 more transcripts).
Identifiers: ClinVar variation 1679988 (VCV001679988.10), dbSNP rs779757540, ClinGen allele CA2809754.

ClinVar aggregate classification (germline): Conflicting classifications of pathogenicity. Review status: criteria provided, conflicting classifications (1 of 4 stars). 3 submissions from 3 submitters: Uncertain significance (1); Likely benign (2). Last evaluated 2025-09-12.

Conditions:
FGFR3-related disorder. Also called: FGFR3-related disorders.

Allele frequency attached by ClinVar (database versions not stated): gnomAD 0.00001; TOPMed 0.00002.
gnomAD v4.1: 22 of 1,611,606 alleles (0.0014%); highest among the groups gnomAD compares: Non-Finnish European, 0.0019%; no homozygotes.

Submissions (3):

PreventionGenetics, part of Exact Sciences
Classification: Likely benign for FGFR3-related condition. Last evaluated: 2025-09-12. Review status: criteria provided, single submitter. Criteria: ACMG Guidelines, 2015. Collection method: clinical testing. Allele origin: germline.
Comment: This variant is classified as likely benign based on ACMG/AMP sequence variant interpretation guidelines (Richards et al. 2015 PMID: 25741868, with internal and published modifications).

Labcorp Genetics (formerly Invitae), Labcorp
Classification: Likely benign. Last evaluated: 2024-10-30. Review status: criteria provided, single submitter. Criteria: Invitae Variant Classification Sherloc (09022015). Collection method: clinical testing. Allele origin: germline.

Blueprint Genetics
Classification: Uncertain significance. Last evaluated: 2024-10-14. Review status: criteria provided, single submitter. Criteria: ACMG Guidelines, 2015. Collection method: clinical testing. Allele origin: germline.